The following is an entry in ClinVar:

ClinVar aggregate classification (germline): Uncertain significance (1 of 4 stars; one submission).

Conditions:
Pheochromocytoma/paraganglioma syndrome 3. Also called: SDHC-Related Hereditary Paraganglioma-Pheochromocytoma Syndrome (Paragangliomas 3); GLOMUS TUMORS, FAMILIAL, 3; SDHC-Related Hereditary Paraganglioma-Pheochromocytoma Syndrome; Paragangliomas 3. Identifiers: Orphanet 29072, MedGen C1854336, MONDO:0011544, OMIM 605373.
Gastrointestinal stromal tumor. Also called: Gastrointestinal stroma tumor; Gastrointestinal stromal tumor, somatic. Identifiers: Orphanet 44890, MedGen C0238198, MeSH D046152, MONDO:0011719, OMIM 606764, HP:0100723.

Submission:

Labcorp Genetics (formerly Invitae), Labcorp
Classification: Uncertain significance for Paragangliomas 3; Gastrointestinal stroma tumor. Last evaluated: 2018-03-25. Review status: criteria provided, single submitter. Criteria: Invitae Variant Classification Sherloc (09022015). Collection method: clinical testing. Allele origin: germline.
Comment: This variant is a gross duplication of the genomic region encompassing exons 2-6 of the SDHC gene. The 5' boundary is likely confined to intron 1. The 3' end of this event is unknown as it extends beyond the assayed region for this gene and therefore may encompass additional genes. The exact location of this variant in the genome is unknown. This variant has not been reported in the literature in individuals with SDHC-related disease. In summary, the available evidence is currently insufficient to determine the role of this variant in disease. Therefore, it has been classified as a Variant of Uncertain Significance.

NC_000001.10:g.(?_161293398)_(161332229_?)dup

Gene: SDHC (succinate dehydrogenase complex subunit C; plus strand). Cytogenetic location: 1q23.3.
Variant type: Duplication.
Identifiers: ClinVar variation 465958 (VCV000465958.1).